The following is an entry in ClinVar:

ClinVar aggregate classification (germline): Uncertain significance (1 of 4 stars; one submission).

Conditions:
Catecholaminergic polymorphic ventricular tachycardia 1. Also called: VENTRICULAR TACHYCARDIA, STRESS-INDUCED POLYMORPHIC 1; VENTRICULAR TACHYCARDIA, CATECHOLAMINERGIC POLYMORPHIC, 1, WITH OR WITHOUT ATRIAL DYSFUNCTION AND/OR DILATED CARDIOMYOPATHY; RYR2-Related Catecholaminergic Polymorphic Ventricular Tachycardia. Identifiers: Orphanet 3286, MedGen C1631597, MONDO:0011484, OMIM 604772.

Submission:

Labcorp Genetics (formerly Invitae), Labcorp
Classification: Uncertain significance for Catecholaminergic polymorphic ventricular tachycardia 1. Last evaluated: 2022-12-05. Review status: criteria provided, single submitter. Criteria: Invitae Variant Classification Sherloc (09022015). Collection method: clinical testing. Allele origin: germline.
Comment: In summary, the available evidence is currently insufficient to determine the role of this variant in disease. Therefore, it has been classified as a Variant of Uncertain Significance. Advanced modeling of protein sequence and biophysical properties (such as structural, functional, and spatial information, amino acid conservation, physicochemical variation, residue mobility, and thermodynamic stability) performed at Invitae indicates that this missense variant is expected to disrupt RYR2 protein function. This variant has not been reported in the literature in individuals affected with RYR2-related conditions. This variant is not present in population databases (gnomAD no frequency). This sequence change replaces leucine, which is neutral and non-polar, with serine, which is neutral and polar, at codon 3478 of the RYR2 protein (p.Leu3478Ser).

NM_001035.3(RYR2):c.10433T>C (p.Leu3478Ser)

Gene: RYR2 (ryanodine receptor 2; plus strand). Cytogenetic location: 1q43.
Variant type: single nucleotide variant.
Coding change: c.10433T>C on transcript NM_001035.3 (MANE Select); coding-DNA position 10433, T replaced by C.
Protein change: p.Leu3478Ser; replaces leucine 3478 with serine.
Molecular consequence: missense variant.
Genome position (GRCh38, 1-based): chr1:237,717,307, T>C. VCF-style: chr1-237717307-T-C. GRCh37 (hg19) VCF-style: chr1-237880607-T-C.
Other names: short protein forms L3478S.
Identifiers: ClinVar variation 2818682 (VCV002818682.3), dbSNP rs2547452302, ClinGen allele CA345414626.